The following is an entry in ClinVar:

ClinVar aggregate classification (germline): Conflicting classifications of pathogenicity. Review status: criteria provided, conflicting classifications (1 of 4 stars). 4 submissions from 4 submitters: Uncertain significance (1); Likely benign (3). Last evaluated 2024-09-24.

Conditions:
Neuronal ceroid lipofuscinosis 11. Also called: GRN-Related Neuronal Ceroid-Lipofuscinosis. Identifiers: Orphanet 314629, Orphanet 79262, MedGen C3539123, MONDO:0013866, OMIM 614706.
GRN-related frontotemporal lobar degeneration with Tdp43 inclusions (FTD2). Also called: FTLD-TDP, GRN-RELATED; FRONTOTEMPORAL DEMENTIA WITH TDP43 INCLUSIONS, GRN-RELATED; GRN Frontotemporal Dementia; DEMENTIA, HEREDITARY DYSPHASIC DISINHIBITION; FRONTOTEMPORAL LOBAR DEGENERATION WITH UBIQUITIN-POSITIVE INCLUSIONS. Identifiers: Orphanet 100070, Orphanet 282, MedGen C1843792, MONDO:0011842, OMIM 607485. Disease mechanism: loss of function.

Allele frequency attached by ClinVar (database versions not stated): ExAC 0.00002; TOPMed 0.00003.

Submissions (4):

Labcorp Genetics (formerly Invitae), Labcorp
Classification: Likely benign for Neuronal ceroid lipofuscinosis 11; GRN-related frontotemporal lobar degeneration with Tdp43 inclusions. Last evaluated: 2024-09-24. Review status: criteria provided, single submitter. Criteria: Invitae Variant Classification Sherloc (09022015). Collection method: clinical testing. Allele origin: germline.

Blueprint Genetics
Classification: Likely benign. Last evaluated: 2023-08-23. Review status: criteria provided, single submitter. Criteria: ACMG Guidelines, 2015. Collection method: clinical testing. Allele origin: germline.

CeGaT Center for Human Genetics Tuebingen
Classification: Likely benign. Last evaluated: 2022-11-01. Review status: criteria provided, single submitter. Criteria: CeGaT Center For Human Genetics Tuebingen Variant Classification Criteria Version 2. Collection method: clinical testing. Allele origin: germline. Affected: yes. Observed: 1 variant allele.
Comment: GRN: BP4, BP7

Illumina Laboratory Services, Illumina
Classification: Uncertain significance for GRN-related frontotemporal lobar degeneration with Tdp43 inclusions. Last evaluated: 2018-01-12. Review status: criteria provided, single submitter. Criteria: ICSL Variant Classification Criteria 13 December 2019. Collection method: clinical testing. Allele origin: germline.

NM_002087.4(GRN):c.1518C>T (p.Thr506=)

Gene: GRN (granulin precursor; plus strand). Cytogenetic location: 17q21.31.
Variant type: single nucleotide variant.
Coding change: c.1518C>T on transcript NM_002087.4 (MANE Select); coding-DNA position 1518, C replaced by T.
Protein change: p.Thr506=; no amino-acid change (threonine 506 retained).
Molecular consequence: synonymous variant.
Genome position (GRCh38, 1-based): chr17:44,352,445, C>T. VCF-style: chr17-44352445-C-T. GRCh37 (hg19) VCF-style: chr17-42429813-C-T.
Identifiers: ClinVar variation 888743 (VCV000888743.31), dbSNP rs768852944, ClinGen allele CA8602228.
Genomic context (GRCh38, chr17:44,352,445, plus strand): 5'-CACCTGCAACGTGAAGGCTCGATCCTGCGAGAAGGAAGTGGTCTCTGCCCAGCCTGCCAC[C>T]TTCCTGGCCCGTAGCCCTCACGTGGGTGTGAAGGACGTGGAGTGTGGGGAAGGACACTTC-3'
Protein context (NP_002078.1, residues 496-516): EKEVVSAQPA[Thr506=]FLARSPHVGV